The following is an entry in ClinVar:

ClinVar aggregate classification (germline): Likely benign (1 of 4 stars; one submission).

Submission:

CeGaT Center for Human Genetics Tuebingen
Classification: Likely benign. Last evaluated: 2025-11-01. Review status: criteria provided, single submitter. Criteria: CeGaT Center For Human Genetics Tuebingen Variant Classification Criteria Version 2. Collection method: clinical testing. Allele origin: germline. Affected: yes. Observed: 1 variant allele.
Comment: CDKN2C: BP4, BP7

NM_078626.3(CDKN2C):c.309G>A (p.Gly103=)

Gene: CDKN2C (cyclin dependent kinase inhibitor 2C; plus strand). Cytogenetic location: 1p32.3.
Variant type: single nucleotide variant.
Coding change: c.309G>A on transcript NM_078626.3 (MANE Select); coding-DNA position 309, G replaced by A.
Protein change: p.Gly103=; no amino-acid change (glycine 103 retained).
Molecular consequence: synonymous variant.
Genome position (GRCh38, 1-based): chr1:50,974,072, G>A. VCF-style: chr1-50974072-G-A. GRCh37 (hg19) VCF-style: chr1-51439744-G-A.
Other names: c.309G>A, p.Gly103= (NM_001262.3, NM_001429675.1).
Identifiers: ClinVar variation 4533525 (VCV004533525.6).